The following is an entry in ClinVar:

NM_000535.7(PMS2):c.2471C>G (p.Thr824Arg)

Gene: PMS2 (PMS1 homolog 2, mismatch repair system component; minus strand). Cytogenetic location: 7p22.1.
Variant type: single nucleotide variant.
Coding change: c.2471C>G on transcript NM_000535.7 (MANE Select); coding-DNA position 2471, C replaced by G.
Protein change: p.Thr824Arg; replaces threonine 824 with arginine.
Molecular consequence: missense variant. On other transcripts: non-coding transcript variant (1).
Genome position (GRCh38, 1-based): chr7:5,973,517, G>C on the plus strand (C>G on the coding strand, the complement: PMS2 is on the minus strand). VCF-style: chr7-5973517-G-C. GRCh37 (hg19) VCF-style: chr7-6013148-G-C.
Other names: c.2066C>G, p.Thr689Arg (NM_001322003.2, NM_001322004.2, NM_001322005.2); c.2315C>G, p.Thr772Arg (NM_001322006.2); c.2153C>G, p.Thr718Arg (NM_001322007.2, NM_001322008.2); c.2099C>G, p.Thr700Arg (NM_001322009.2); c.1910C>G, p.Thr637Arg (NM_001322010.2); c.1538C>G, p.Thr513Arg (NM_001322011.2, NM_001322012.2); c.1898C>G, p.Thr633Arg (NM_001322013.2); c.2504C>G, p.Thr835Arg (NM_001322014.2); and 1 more; short protein forms T824R, T718R, T772R, T721R, T835R, T513R, T633R, T637R.
Identifiers: ClinVar variation 579794 (VCV000579794.11), dbSNP rs1354323014, ClinGen allele CA366734992.

ClinVar aggregate classification (germline): Uncertain significance. Review status: criteria provided, multiple submitters, no conflicts (2 of 4 stars). 2 submissions from 2 submitters: Uncertain significance (2). Last evaluated 2025-10-25.

Conditions:
Hereditary nonpolyposis colorectal neoplasms. Identifiers: MedGen C0009405, MeSH D003123.
Hereditary cancer-predisposing syndrome. Also called: Neoplastic Syndromes, Hereditary; Tumor predisposition; Hereditary neoplastic syndrome; Hereditary Cancer Syndrome. Identifiers: Orphanet 140162, MedGen C0027672, MeSH D009386, MONDO:0015356.

Submissions (2):

Ambry Genetics
Classification: Uncertain significance for Hereditary cancer-predisposing syndrome. Last evaluated: 2025-10-25. Review status: criteria provided, single submitter. Criteria: Ambry Variant Classification Scheme 2023. Collection method: clinical testing. Allele origin: germline.
Comment: The p.T824R variant (also known as c.2471C>G), located in coding exon 15 of the PMS2 gene, results from a C to G substitution at nucleotide position 2471. The threonine at codon 824 is replaced by arginine, an amino acid with similar properties. This amino acid position is not well conserved in available vertebrate species. In addition, this alteration is predicted to be tolerated by in silico analysis. Since supporting evidence is limited at this time, the clinical significance of this alteration remains unclear.

Labcorp Genetics (formerly Invitae), Labcorp
Classification: Uncertain significance for Hereditary nonpolyposis colorectal neoplasms. Last evaluated: 2025-10-18. Review status: criteria provided, single submitter. Criteria: Invitae Variant Classification Sherloc (09022015). Collection method: clinical testing. Allele origin: germline.
Comment: This sequence change replaces threonine, which is neutral and polar, with arginine, which is basic and polar, at codon 824 of the PMS2 protein (p.Thr824Arg). The frequency data for this variant in the population databases (gnomAD) is considered unreliable due to the presence of homologous sequence, such as pseudogenes or paralogs, in the genome. This variant has not been reported in the literature in individuals affected with PMS2-related conditions. ClinVar contains an entry for this variant (Variation ID: 579794). Invitae Evidence Modeling incorporating data from in vitro experimental studies (internal data) indicates that this missense variant is not expected to disrupt PMS2 function with a negative predictive value of 95%. In summary, the available evidence is currently insufficient to determine the role of this variant in disease. Therefore, it has been classified as a Variant of Uncertain Significance.